The following is an entry in ClinVar:

NM_001378030.1(CCDC78):c.620G>A (p.Arg207Gln)

Gene: CCDC78 (coiled-coil domain containing 78; minus strand). Cytogenetic location: 16p13.3.
Variant type: single nucleotide variant.
Coding change: c.620G>A on transcript NM_001378030.1 (MANE Select); coding-DNA position 620, G replaced by A.
Protein change: p.Arg207Gln; replaces arginine 207 with glutamine.
Molecular consequence: missense variant. On other transcripts: non-coding transcript variant (5), intron variant (1).
Genome position (GRCh38, 1-based): chr16:724,930, C>T on the plus strand (G>A on the coding strand, the complement: CCDC78 is on the minus strand). VCF-style: chr16-724930-C-T. GRCh37 (hg19) VCF-style: chr16-774930-C-T.
Other names: c.620G>A, p.Arg207Gln (NM_001031737.3, NM_001378031.1); c.198+148G>A (NM_001378033.1); short protein forms R207Q.
Identifiers: ClinVar variation 837345 (VCV000837345.9), dbSNP rs368147684, ClinGen allele CA7789495.

ClinVar aggregate classification (germline): Conflicting classifications of pathogenicity. Review status: criteria provided, conflicting classifications (1 of 4 stars). 2 submissions from 2 submitters: Uncertain significance (1); Likely benign (1). Last evaluated 2025-12-16.

Conditions:
Inborn genetic diseases. Identifiers: MedGen C0950123, MeSH D030342.
Congenital myopathy with internal nuclei and atypical cores. Also called: Myopathy, centronuclear, 4. Identifiers: Orphanet 319160, MedGen C4707232, MONDO:0013890, OMIM 614807.

Allele frequency attached by ClinVar (database versions not stated): gnomAD exomes 0.00001 and 0.00003; ExAC 0.00004; gnomAD 0.00004 and 0.00006; TOPMed 0.00005; ESP Exome Variant Server 0.00008.

Submissions (2):

Labcorp Genetics (formerly Invitae), Labcorp
Classification: Uncertain significance for Congenital myopathy with internal nuclei and atypical cores. Last evaluated: 2025-12-16. Review status: criteria provided, single submitter. Criteria: Invitae Variant Classification Sherloc (09022015). Collection method: clinical testing. Allele origin: germline.
Comment: This sequence change replaces arginine, which is basic and polar, with glutamine, which is neutral and polar, at codon 207 of the CCDC78 protein (p.Arg207Gln). This variant is present in population databases (rs368147684, gnomAD 0.01%). This variant has not been reported in the literature in individuals affected with CCDC78-related conditions. ClinVar contains an entry for this variant (Variation ID: 837345). Invitae Evidence Modeling of protein sequence and biophysical properties (such as structural, functional, and spatial information, amino acid conservation, physicochemical variation, residue mobility, and thermodynamic stability) indicates that this missense variant is not expected to disrupt CCDC78 protein function with a negative predictive value of 80%. In summary, the available evidence is currently insufficient to determine the role of this variant in disease. Therefore, it has been classified as a Variant of Uncertain Significance.

Ambry Genetics
Classification: Likely benign for Inborn genetic diseases. Last evaluated: 2023-08-02. Review status: criteria provided, single submitter. Criteria: Ambry Variant Classification Scheme 2023. Collection method: clinical testing. Allele origin: germline.